The following is an entry in ClinVar:

ClinVar aggregate classification (germline): Benign (1 of 4 stars; one submission).

Conditions:
Breast-ovarian cancer, familial, susceptibility to, 4. Identifiers: Orphanet 145, MedGen C3280345, MONDO:0013669, OMIM 614291.

Submission:

Myriad Genetics, Inc.
Classification: Benign for Breast-ovarian cancer, familial, susceptibility to, 4. Last evaluated: 2025-02-25. Review status: criteria provided, single submitter. Criteria: Myriad Autosomal Dominant, Autosomal Recessive and X-Linked Classification Criteria (2023). Collection method: clinical testing. Allele origin: unknown.
Comment: This variant is considered benign. This variant is a silent/synonymous amino acid change and it is not expected to impact splicing.

NM_002878.4(RAD51D):c.918G>A (p.Gln306=)

Genes: RAD51D (RAD51 paralog D; minus strand), RAD51L3-RFFL (RAD51L3-RFFL readthrough; minus strand). Cytogenetic location: 17q12.
Variant type: single nucleotide variant.
Coding change: c.918G>A on transcript NM_002878.4 (MANE Select); coding-DNA position 918, G replaced by A.
Protein change: p.Gln306=; no amino-acid change (glutamine 306 retained).
Molecular consequence: synonymous variant. On other transcripts: non-coding transcript variant (2).
Genome position (GRCh38, 1-based): chr17:35,101,022, C>T on the plus strand (G>A on the coding strand, the complement: RAD51D is on the minus strand). VCF-style: chr17-35101022-C-T. GRCh37 (hg19) VCF-style: chr17-33428041-C-T.
Other names: c.978G>A, p.Gln326= (NM_001142571.2); c.582G>A, p.Gln194= (NM_133629.3).
Identifiers: ClinVar variation 3904213 (VCV003904213.1).